The following is an entry in ClinVar:

NM_001166108.2(PALLD):c.340T>A (p.Ser114Thr)

Gene: PALLD (palladin, cytoskeletal associated protein; plus strand). Cytogenetic location: 4q32.3.
Variant type: single nucleotide variant.
Coding change: c.340T>A on transcript NM_001166108.2 (MANE Select); coding-DNA position 340, T replaced by A.
Protein change: p.Ser114Thr; replaces serine 114 with threonine.
Molecular consequence: missense variant.
Genome position (GRCh38, 1-based): chr4:168,511,844, T>A. VCF-style: chr4-168511844-T-A. GRCh37 (hg19) VCF-style: chr4-169432995-T-A.
Other names: c.340T>A, p.Ser114Thr (NM_016081.4); short protein forms S114T.
Identifiers: ClinVar variation 3413637 (VCV003413637.1).

ClinVar aggregate classification (germline): Uncertain significance (1 of 4 stars; one submission).

Submission:

Ambry Genetics
Classification: Uncertain significance. Last evaluated: 2024-10-08. Review status: criteria provided, single submitter. Criteria: Ambry Variant Classification Scheme 2023. Collection method: clinical testing. Allele origin: germline.
Comment: The p.S114T variant (also known as c.340T>A), located in coding exon 1 of the PALLD gene, results from a T to A substitution at nucleotide position 340. The serine at codon 114 is replaced by threonine, an amino acid with similar properties. This amino acid position is conserved. In addition, this alteration is predicted to be tolerated by in silico analysis. Based on the available evidence, the clinical significance of this variant remains unclear.